The following is an entry in ClinVar:

NM_170707.4(LMNA):c.455T>C (p.Leu152Pro)

Genes: LMNA (lamin A/C; plus strand), LOC126805877 (MED14-independent group 3 enhancer GRCh37_chr1:156099693-156100892; plus strand). Cytogenetic location: 1q22.
Variant type: single nucleotide variant.
Coding change: c.455T>C on transcript NM_170707.4 (MANE Select); coding-DNA position 455, T replaced by C.
Protein change: p.Leu152Pro; replaces leucine 152 with proline.
Molecular consequence: missense variant. On other transcripts: intron variant (4), 5 prime UTR variant (7).
Genome position (GRCh38, 1-based): chr1:156,130,715, T>C. VCF-style: chr1-156130715-T-C. GRCh37 (hg19) VCF-style: chr1-156100506-T-C.
Other names: c.455T>C, p.Leu152Pro (NM_005572.4, NM_170708.4, NM_001406991.1 and 6 more transcripts); c.-45-3688T>C (NM_001407002.1, NM_001406995.1, NM_001406990.1); c.-151-3688T>C (NM_001407001.1); c.119T>C, p.Leu40Pro (NM_001406989.1, NM_001406998.1, NM_001257374.3); c.-104T>C (NM_001406993.1, NM_001406996.1, NM_001406997.1 and 1 more transcripts); c.-210T>C (NM_001406994.1, NM_001406999.1, NM_001407000.1); c.212T>C, p.Leu71Pro (NM_001282624.2, NM_001406986.1, NM_001406987.1); c.158T>C, p.Leu53Pro (NM_001406988.1); short protein forms L152P, L53P, L40P, L71P.
Identifiers: ClinVar variation 2771336 (VCV002771336.4), dbSNP rs2527936976, ClinGen allele CA342815482.

ClinVar aggregate classification (germline): Conflicting classifications of pathogenicity. Review status: criteria provided, conflicting classifications (1 of 4 stars). 2 submissions from 2 submitters: Likely pathogenic (1); Uncertain significance (1). Last evaluated 2024-04-11.

Conditions:
Charcot-Marie-Tooth disease type 2. Also called: Charcot-Marie-Tooth type 2. Identifiers: Orphanet 64746, MedGen C0270914, MONDO:0018993.
Cardiovascular phenotype. Identifiers: MedGen CN230736.

Submissions (2):

Ambry Genetics
Classification: Likely pathogenic for Cardiovascular phenotype. Last evaluated: 2024-04-11. Review status: criteria provided, single submitter. Criteria: Ambry Variant Classification Scheme 2023. Collection method: clinical testing. Allele origin: germline.
Comment: The c.455T>C (p.L152P) alteration is located in exon 2 (coding exon 2) of the LMNA gene. This alteration results from a T to C substitution at nucleotide position 455, causing the leucine (L) at amino acid position 152 to be replaced by a proline (P). for LMNA-related laminopathy; however, its clinical significance for Hutchinson-Gilford progeria and Charcot-Marie-Tooth disease, type 2B1 is unclear This variant was not reported in population-based cohorts in the Genome Aggregation Database (gnomAD). This amino acid position is well conserved in available vertebrate species. This alteration is predicted to be deleterious by in silico analysis. Based on the available evidence, this alteration is classified as likely pathogenic.

Labcorp Genetics (formerly Invitae), Labcorp
Classification: Uncertain significance for Charcot-Marie-Tooth disease type 2. Last evaluated: 2023-10-23. Review status: criteria provided, single submitter. Criteria: Invitae Variant Classification Sherloc (09022015). Collection method: clinical testing. Allele origin: germline.
Comment: This sequence change replaces leucine, which is neutral and non-polar, with proline, which is neutral and non-polar, at codon 152 of the LMNA protein (p.Leu152Pro). This variant is not present in population databases (gnomAD no frequency). This variant has not been reported in the literature in individuals affected with LMNA-related conditions. Advanced modeling of protein sequence and biophysical properties (such as structural, functional, and spatial information, amino acid conservation, physicochemical variation, residue mobility, and thermodynamic stability) performed at Invitae indicates that this missense variant is expected to disrupt LMNA protein function with a positive predictive value of 95%. In summary, the available evidence is currently insufficient to determine the role of this variant in disease. Therefore, it has been classified as a Variant of Uncertain Significance.